The following is an entry in ClinVar:

ClinVar aggregate classification (germline): Likely benign (1 of 4 stars; one submission).

gnomAD v4.1: 107 of 1,532,408 alleles (0.007%); highest among the groups gnomAD compares: Non-Finnish European, 0.0089%; no homozygotes.

Submission:

CeGaT Center for Human Genetics Tuebingen
Classification: Likely benign. Last evaluated: 2026-07-01. Review status: criteria provided, single submitter. Criteria: CeGaT Center For Human Genetics Tuebingen Variant Classification Criteria Version 2. Collection method: clinical testing. Allele origin: germline. Affected: yes. Observed: 1 variant allele.
Comment: LRFN4: BP4, BP7

NM_024036.5(LRFN4):c.840G>A (p.Pro280=)

Genes: LRFN4 (leucine rich repeat and fibronectin type III domain containing 4; plus strand), PC (pyruvate carboxylase; minus strand). Cytogenetic location: 11q13.2.
Variant type: single nucleotide variant.
Coding change: c.840G>A on transcript NM_024036.5 (MANE Select); coding-DNA position 840, G replaced by A.
Protein change: p.Pro280=; no amino-acid change (proline 280 retained).
Molecular consequence: synonymous variant. On other transcripts: intron variant (9).
Genome position (GRCh38, 1-based): chr11:66,858,584, G>A. VCF-style: chr11-66858584-G-A. GRCh37 (hg19) VCF-style: chr11-66626055-G-A.
Other names: c.840G>A, p.Pro280= (NM_001363524.2); c.1368+5190C>T (NM_001439353.1, NM_000920.4, NM_001040716.2 and 6 more transcripts).
Identifiers: ClinVar variation 5039644 (VCV005039644.1).